The following is an entry in ClinVar:

NC_000002.11:g.(?_166802014)_(166850946_?)del

Genes: SCN1A (sodium voltage-gated channel alpha subunit 1; minus strand), TTC21B (tetratricopeptide repeat domain 21B; minus strand). Cytogenetic location: 2q24.3.
Variant type: Deletion.
Identifiers: ClinVar variation 1455374 (VCV001455374.7).

ClinVar aggregate classification (germline): Pathogenic (1 of 4 stars; one submission).

Conditions:
Developmental and epileptic encephalopathy. Identifiers: MedGen C5779964, MONDO:0100620.

Submission:

Labcorp Genetics (formerly Invitae), Labcorp
Classification: Pathogenic for Early-infantile DEE. Last evaluated: 2023-10-13. Review status: criteria provided, single submitter. Criteria: Invitae Variant Classification Sherloc (09022015). Collection method: clinical testing. Allele origin: germline.
Comment: This variant is a gross deletion of the genomic region encompassing exon(s) 25-26 of the SCN1A gene, which includes the termination codon. This deletion extends beyond the assayed region for this gene and therefore may encompass additional genes. While this deletion is not anticipated to lead to nonsense mediated decay, it is expected to alter mRNA translation or result in a truncated protein product. This variant has not been reported in the literature in individuals affected with SCN1A-related conditions. This variant disrupts a region of the SCN1A protein in which other variant(s) (p.Arg1912*) have been determined to be pathogenic (PMID: 14738421, 20522430, 23195492; Invitae). This suggests that this is a clinically significant region of the protein, and that variants that disrupt it are likely to be disease-causing. For these reasons, this variant has been classified as Pathogenic.

Literature cited by the submitters: PubMed 14738421; PubMed 20522430; PubMed 23195492.